The following is an entry in ClinVar:

NM_001277115.2(DNAH11):c.2984A>C (p.Glu995Ala)

Genes: DNAH11 (dynein axonemal heavy chain 11; plus strand), LOC126859961 (BRD4-independent group 4 enhancer GRCh37_chr7:21639662-21640861; plus strand). Cytogenetic location: 7p15.3.
Variant type: single nucleotide variant.
Coding change: c.2984A>C on transcript NM_001277115.2 (MANE Select); coding-DNA position 2984, A replaced by C.
Protein change: p.Glu995Ala; replaces glutamic acid 995 with alanine.
Molecular consequence: missense variant.
Genome position (GRCh38, 1-based): chr7:21,600,103, A>C. VCF-style: chr7-21600103-A-C. GRCh37 (hg19) VCF-style: chr7-21639721-A-C.
Other names: short protein forms E995A.
Identifiers: ClinVar variation 1396562 (VCV001396562.6), dbSNP rs2128446711, ClinGen allele CA366944836.

ClinVar aggregate classification (germline): Uncertain significance (1 of 4 stars; one submission).

Conditions:
Primary ciliary dyskinesia. Also called: Ciliary dyskinesia. Identifiers: Orphanet 244, MedGen C0008780, MONDO:0016575, HP:0012265.

Submission:

Labcorp Genetics (formerly Invitae), Labcorp
Classification: Uncertain significance for Primary ciliary dyskinesia. Last evaluated: 2023-08-24. Review status: criteria provided, single submitter. Criteria: Invitae Variant Classification Sherloc (09022015). Collection method: clinical testing. Allele origin: germline.
Comment: In summary, the available evidence is currently insufficient to determine the role of this variant in disease. Therefore, it has been classified as a Variant of Uncertain Significance. Advanced modeling of protein sequence and biophysical properties (such as structural, functional, and spatial information, amino acid conservation, physicochemical variation, residue mobility, and thermodynamic stability) performed at Invitae indicates that this missense variant is not expected to disrupt DNAH11 protein function. ClinVar contains an entry for this variant (Variation ID: 1396562). This variant has not been reported in the literature in individuals affected with DNAH11-related conditions. This variant is not present in population databases (gnomAD no frequency). This sequence change replaces glutamic acid, which is acidic and polar, with alanine, which is neutral and non-polar, at codon 995 of the DNAH11 protein (p.Glu995Ala).